The following is an entry in ClinVar:

NM_001271.4(CHD2):c.1681_1692del (p.Val561_Tyr564del)

Gene: CHD2 (chromodomain helicase DNA binding protein 2; plus strand). Cytogenetic location: 15q26.1.
Variant type: Deletion.
Coding change: c.1681_1692del on transcript NM_001271.4 (MANE Select); coding-DNA positions 1681 to 1692, 12 bases deleted (GTAGTGGTTTAC).
Protein change: p.Val561_Tyr564del.
Molecular consequence: inframe deletion.
Genome position (GRCh38, 1-based): chr15:92,953,535-92,953,546, GTAGTGGTTTAC deleted; deleting any 12 consecutive bases within chr15:92,953,533-92,953,546 gives the same sequence; the c. name uses the placement nearest the transcript's 3' end. VCF-style (leftmost placement, unchanged base first): chr15-92953532-AACGTAGTGGTTT-A. GRCh37 (hg19) VCF-style: chr15-93496762-AACGTAGTGGTTT-A.
Identifiers: ClinVar variation 1325831 (VCV001325831.1), dbSNP rs2141811654, ClinGen allele CA2573054128.

ClinVar aggregate classification (germline): Uncertain significance (1 of 4 stars; one submission).

Conditions:
Developmental and epileptic encephalopathy 94 (DEE94). Also called: Epileptic encephalopathy, childhood-onset; CHD2-Related Neurodevelopmental Disorders. Identifiers: Orphanet 1942, Orphanet 2382, MedGen C3809278, MONDO:0014150, OMIM 615369.

Submission:

Institute of Human Genetics, University of Leipzig Medical Center
Classification: Uncertain significance for Developmental and epileptic encephalopathy 94. Last evaluated: 2021-11-12. Review status: criteria provided, single submitter. Criteria: ACMG Guidelines, 2015. Collection method: clinical testing. Allele origin: unknown. Affected: yes.
Comment: _x000D_ Criteria applied: PM4, PM2_SUP